The following is an entry in ClinVar:

ClinVar aggregate classification (germline): Uncertain significance (1 of 4 stars; one submission).

Submission:

GeneDx
Classification: Uncertain significance. Last evaluated: 2025-04-30. Review status: criteria provided, single submitter. Criteria: GeneDx Variant Classification Process June 2021. Collection method: clinical testing. Allele origin: germline. Affected: yes.
Comment: Not observed at significant frequency in large population cohorts (gnomAD); In silico analysis indicates that this missense variant does not alter protein structure/function; Has not been previously published as pathogenic or benign to our knowledge

NM_001436401.1(NOBOX):c.1471G>C (p.Gly491Arg)

Gene: NOBOX (NOBOX oogenesis homeobox; minus strand). Cytogenetic location: 7q35.
Variant type: single nucleotide variant.
Coding change: c.1471G>C on transcript NM_001436401.1 (MANE Select); coding-DNA position 1471, G replaced by C.
Protein change: p.Gly491Arg; replaces glycine 491 with arginine.
Molecular consequence: missense variant.
Genome position (GRCh38, 1-based): chr7:144,397,494, C>G on the plus strand (G>C on the coding strand, the complement: NOBOX is on the minus strand). VCF-style: chr7-144397494-C-G. GRCh37 (hg19) VCF-style: chr7-144094587-C-G.
Other names: NM_001080413.3:c.1822G>C; c.919G>C, p.Gly307Arg (NM_001436402.1); short protein forms G307R, G491R.
Identifiers: ClinVar variation 4527963 (VCV004527963.1).
Genomic context (GRCh38, chr7:144,397,494, plus strand): 5'-GATCAGGAAAGTAGCCATCCCCTCCTGGGGGATGCCCCAGAGCTTGTGGGCAGAACGGAC[C>G]AGGGAAGGGCAGCTCTGGCAAACAGGGGTCACTCCAGGAGGCTGTACCTGTGGGGTCGGA-3'
Protein context (NP_001423330.1, residues 481-501): DPCLPELPFP[Gly491Arg]PFCPQALGHP